The following is an entry in ClinVar:

NM_001369.3(DNAH5):c.3699del (p.Phe1233fs)

Genes: DNAH5 (dynein axonemal heavy chain 5; minus strand), DNAH5-AS1 (DNAH5 antisense RNA 1; plus strand). Cytogenetic location: 5p15.2.
Variant type: Deletion.
Coding change: c.3699del on transcript NM_001369.3 (MANE Select); coding-DNA position 3699, one base deleted (T; older notation c.3699delT).
Protein change: p.Phe1233fs; shifts the reading frame from phenylalanine 1233.
Molecular consequence: frameshift variant.
Genome position (GRCh38, 1-based): chr5:13,870,902, A deleted on the plus strand (T on the coding strand, the reverse complement: DNAH5 is on the minus strand); the first of 5 consecutive A bases (chr5:13,870,902-13,870,906); deleting any one gives the same sequence. VCF-style (leftmost placement, unchanged base first): chr5-13870901-TA-T. GRCh37 (hg19) VCF-style: chr5-13871010-TA-T.
Other names: short protein forms F1233fs.
Identifiers: ClinVar variation 5015810 (VCV005015810.1).

ClinVar aggregate classification (germline): Pathogenic (1 of 4 stars; one submission).

Conditions:
Primary ciliary dyskinesia 3. Identifiers: Orphanet 244, MedGen C1837618, MONDO:0012085, OMIM 608644.

Submission:

Myriad Genetics, Inc.
Classification: Pathogenic for Primary ciliary dyskinesia 3. Last evaluated: 2024-05-14. Review status: criteria provided, single submitter. Criteria: Myriad Autosomal Dominant, Autosomal Recessive and X-Linked Classification Criteria (2023). Collection method: clinical testing. Allele origin: unknown.
Comment: NM_001369.2(DNAH5):c.3699delT(F1233Lfs*11) is expected to be pathogenic in the context of primary ciliary dyskinesia, DNAH5-related. This variant is predicted to lead to an abnormal or absent protein product due to the creation of a premature termination codon in DNAH5, a gene where loss-of-function variants are known to be pathogenic. Please note: this variant was assessed in the context of healthy population screening.